The following is an entry in ClinVar:

ClinVar aggregate classification (germline): Conflicting classifications of pathogenicity. Review status: criteria provided, conflicting classifications (1 of 4 stars). 4 submissions from 4 submitters: Uncertain significance (1); Likely benign (3). Last evaluated 2024-07-17.

Conditions:
Hereditary cancer-predisposing syndrome. Also called: Tumor predisposition; Hereditary Cancer Syndrome; Neoplastic Syndromes, Hereditary; Hereditary neoplastic syndrome. Identifiers: Orphanet 140162, MedGen C0027672, MeSH D009386, MONDO:0015356.
BAP1-related tumor predisposition syndrome (TPDS1). Also called: Tumor susceptibility linked to germline BAP1 mutations; BAP1 tumor predisposition syndrome; COMMON Syndrome; TUMOR PREDISPOSITION SYNDROME 1. Identifiers: Orphanet 289539, MedGen C3280492, MONDO:0013692, OMIM 614327.

gnomAD v4.1: 1 of 1,568,832 alleles (0.000064%); no homozygotes.

Submissions (4):

Myriad Genetics, Inc.
Classification: Likely benign for BAP1-related tumor predisposition syndrome. Last evaluated: 2024-07-17. Review status: criteria provided, single submitter. Criteria: Myriad Autosomal Dominant, Autosomal Recessive and X-Linked Classification Criteria (2023). Collection method: clinical testing. Allele origin: unknown.
Comment: This variant is considered likely benign. This variant is intronic and is not expected to impact mRNA splicing.

Color Diagnostics, LLC DBA Color Health
Classification: Likely benign for Hereditary cancer-predisposing syndrome. Last evaluated: 2024-02-06. Review status: criteria provided, single submitter. Criteria: ACMG Guidelines, 2015. Collection method: clinical testing. Allele origin: germline.

Quest Diagnostics Nichols Institute San Juan Capistrano
Classification: Uncertain significance. Last evaluated: 2023-02-23. Review status: criteria provided, single submitter. Criteria: Quest Diagnostics criteria. Collection method: clinical testing. Allele origin: unknown.
Comment: To the best of our knowledge, the variant has not been reported in the published literature. It also has not been reported in large, multi-ethnic general populations. Analysis of this variant using software algorithms for the prediction of the effect of nucleotide changes on splicing yielded predictions that this variant does not affect BAP1 mRNA splicing . Based on the available information, we are unable to determine the clinical significance of this variant.

Labcorp Genetics (formerly Invitae), Labcorp
Classification: Likely benign for BAP1-related tumor predisposition syndrome. Last evaluated: 2022-04-06. Review status: criteria provided, single submitter. Criteria: Invitae Variant Classification Sherloc (09022015). Collection method: clinical testing. Allele origin: germline.

NM_004656.4(BAP1):c.2057-10C>T

Gene: BAP1 (BRCA1 associated deubiquitinase 1; minus strand). Cytogenetic location: 3p21.1.
Variant type: single nucleotide variant.
Coding change: c.2057-10C>T on transcript NM_004656.4 (MANE Select); 10 bases into the intron before coding-DNA position 2057, C replaced by T.
Molecular consequence: intron variant.
Genome position (GRCh38, 1-based): chr3:52,402,431, G>A on the plus strand (C>T on the coding strand, the complement: BAP1 is on the minus strand). VCF-style: chr3-52402431-G-A. GRCh37 (hg19) VCF-style: chr3-52436447-G-A.
Other names: c.2057-10C>T (NM_004656.3).
Identifiers: ClinVar variation 2058746 (VCV002058746.7), dbSNP rs2471319265, ClinGen allele CA2580070168.